The following is an entry in ClinVar:

ClinVar aggregate classification (germline): Likely benign (1 of 4 stars; one submission).

Allele frequency attached by ClinVar (database versions not stated): gnomAD 0.00938 and 0.01007; 1000 Genomes Project 0.00978; TOPMed 0.01071; 1000 Genomes Project 30x 0.01109.
gnomAD v4.1: 1,409 of 152,092 alleles (0.93%); highest among the groups gnomAD compares: African/African-American, 3.3%; 23 homozygotes.

Submission:

GeneDx
Classification: Likely benign. Last evaluated: 2018-06-14. Review status: criteria provided, single submitter. Criteria: GeneDx Variant Classification (06012015). Collection method: clinical testing. Allele origin: germline. Affected: yes.
Comment: This variant is considered likely benign or benign based on one or more of the following criteria: it is a conservative change, it occurs at a poorly conserved position in the protein, it is predicted to be benign by multiple in silico algorithms, and/or has population frequency not consistent with disease.

NM_001002755.4(NFU1):c.484+191C>T

Gene: NFU1 (NFU1 iron-sulfur cluster scaffold; minus strand). Cytogenetic location: 2p13.3.
Variant type: single nucleotide variant.
Coding change: c.484+191C>T on transcript NM_001002755.4 (MANE Select); 191 bases into the intron after coding-DNA position 484, C replaced by T.
Molecular consequence: intron variant.
Genome position (GRCh38, 1-based): chr2:69,414,994, G>A on the plus strand (C>T on the coding strand, the complement: NFU1 is on the minus strand). VCF-style: chr2-69414994-G-A. GRCh37 (hg19) VCF-style: chr2-69642126-G-A.
Other names: c.412+191C>T (NM_015700.4, NM_001374284.1); c.61+191C>T (NM_001002756.2).
Identifiers: ClinVar variation 673226 (VCV000673226.1), dbSNP rs115205294, ClinGen allele CA49517582.